The following is an entry in ClinVar:

ClinVar aggregate classification (germline): Uncertain significance (1 of 4 stars; one submission).

Submission:

Labcorp Genetics (formerly Invitae), Labcorp
Classification: Uncertain significance. Last evaluated: 2024-07-06. Review status: criteria provided, single submitter. Criteria: Invitae Variant Classification Sherloc (09022015). Collection method: clinical testing. Allele origin: germline.
Comment: This sequence change replaces glutamic acid, which is acidic and polar, with methionine, which is neutral and non-polar, at codon 1228 of the MYH9 protein (p.Glu1228Met). Information on the frequency of this variant in the gnomAD database is not available, as this variant may be reported differently in the database. This variant has not been reported in the literature in individuals affected with MYH9-related conditions. An algorithm developed to predict the effect of missense changes on protein structure and function (PolyPhen-2) suggests that this variant is likely to be disruptive. In summary, the available evidence is currently insufficient to determine the role of this variant in disease. Therefore, it has been classified as a Variant of Uncertain Significance.

NM_002473.6(MYH9):c.3682_3683delinsAT (p.Glu1228Met)

Gene: MYH9 (myosin heavy chain 9; minus strand). Cytogenetic location: 22q12.3.
Variant type: Indel.
Coding change: c.3682_3683delinsAT on transcript NM_002473.6 (MANE Select); coding-DNA positions 3682 to 3683, GA replaced by AT.
Protein change: p.Glu1228Met; replaces glutamic acid 1228 with methionine.
Molecular consequence: missense variant.
Genome position (GRCh38, 1-based): chr22:36,294,246-36,294,247, TC replaced by AT on the plus strand (GA replaced by AT on the coding strand, the reverse complement: MYH9 is on the minus strand). VCF-style: chr22-36294246-TC-AT. GRCh37 (hg19) VCF-style: chr22-36690292-TC-AT.
Other names: short protein forms E1228M.
Identifiers: ClinVar variation 3658899 (VCV003658899.2).